The following is an entry in ClinVar:

NM_024753.5(TTC21B):c.1768A>G (p.Met590Val)

Gene: TTC21B (tetratricopeptide repeat domain 21B; minus strand). Cytogenetic location: 2q24.3.
Variant type: single nucleotide variant.
Coding change: c.1768A>G on transcript NM_024753.5 (MANE Select); coding-DNA position 1768, A replaced by G.
Protein change: p.Met590Val; replaces methionine 590 with valine.
Molecular consequence: missense variant.
Genome position (GRCh38, 1-based): chr2:165,917,388, T>C on the plus strand (A>G on the coding strand, the complement: TTC21B is on the minus strand). VCF-style: chr2-165917388-T-C. GRCh37 (hg19) VCF-style: chr2-166773898-T-C.
Other names: short protein forms M590V.
Identifiers: ClinVar variation 1019751 (VCV001019751.10), dbSNP rs777733112, ClinGen allele CA1942021.

ClinVar aggregate classification (germline): Uncertain significance. Review status: criteria provided, multiple submitters, no conflicts (2 of 4 stars). 3 submissions from 3 submitters: Uncertain significance (3). Last evaluated 2025-07-24.

Conditions:
TTC21B-related disorder. Also called: TTC21B-related condition; TTC21B-related disorders.
Jeune thoracic dystrophy. Also called: Short-rib thoracic dysplasia; Jeune syndrome; Infantile thoracic dystrophy; Thoracic pelvic phalangeal dystrophy; Jeune's syndrome; Chondroectodermal dysplasia-like syndrome. Identifiers: Orphanet 474, MedGen C0265275, MONDO:0018770.
Nephronophthisis. Also called: Juvenile Nephronophthisis. Identifiers: Orphanet 655, MedGen C0687120, MONDO:0019005, HP:0000090.
Connective tissue disorder. Also called: Connective tissue disease. Identifiers: MedGen C0009782, MONDO:0003900.

Allele frequency attached by ClinVar (database versions not stated): gnomAD exomes below 0.00001 and 0.00001; ExAC 0.00002; TOPMed 0.00002; gnomAD 0.00003 and 0.00004.
gnomAD v4.1: 11 of 1,614,096 alleles (0.00068%); highest among the groups gnomAD compares: African/African-American, 0.0027%; no homozygotes.

Submissions (3):

PreventionGenetics, part of Exact Sciences
Classification: Uncertain significance for TTC21B-related condition. Last evaluated: 2025-07-24. Review status: criteria provided, single submitter. Criteria: ACMG Guidelines, 2015. Collection method: clinical testing. Allele origin: germline.
Comment: The TTC21B c.1768A>G variant is predicted to result in the amino acid substitution p.Met590Val. To our knowledge, this variant has not been reported in the literature. This variant is reported in 0.0040% of alleles in individuals of African descent in gnomAD. At this time, the clinical significance of this variant is uncertain due to the absence of conclusive functional and genetic evidence.

Labcorp Genetics (formerly Invitae), Labcorp
Classification: Uncertain significance for Jeune thoracic dystrophy; Nephronophthisis. Last evaluated: 2021-08-28. Review status: criteria provided, single submitter. Criteria: Invitae Variant Classification Sherloc (09022015). Collection method: clinical testing. Allele origin: germline.
Comment: This sequence change replaces methionine with valine at codon 590 of the TTC21B protein (p.Met590Val). The methionine residue is moderately conserved and there is a small physicochemical difference between methionine and valine. This variant is present in population databases (rs777733112, ExAC 0.01%). This variant has not been reported in the literature in individuals affected with TTC21B-related conditions. Algorithms developed to predict the effect of missense changes on protein structure and function (SIFT, PolyPhen-2, Align-GVGD) all suggest that this variant is likely to be tolerated. Algorithms developed to predict the effect of sequence changes on RNA splicing suggest that this variant may create or strengthen a splice site. In summary, the available evidence is currently insufficient to determine the role of this variant in disease. Therefore, it has been classified as a Variant of Uncertain Significance.

Genome Diagnostics Laboratory, The Hospital for Sick Children
Classification: Uncertain significance for Connective tissue disorder. Last evaluated: 2019-12-02. Review status: criteria provided, single submitter. Criteria: ACMG Guidelines, 2015. Collection method: clinical testing. Allele origin: germline.